The following is an entry in ClinVar:

NM_000392.5(ABCC2):c.234A>G (p.Leu78=)

Gene: ABCC2 (ATP binding cassette subfamily C member 2; plus strand). Cytogenetic location: 10q24.2.
Variant type: single nucleotide variant.
Coding change: c.234A>G on transcript NM_000392.5 (MANE Select); coding-DNA position 234, A replaced by G.
Protein change: p.Leu78=; no amino-acid change (leucine 78 retained).
Molecular consequence: synonymous variant.
Genome position (GRCh38, 1-based): chr10:99,792,260, A>G. VCF-style: chr10-99792260-A-G. GRCh37 (hg19) VCF-style: chr10-101552017-A-G.
Other names: c.234A>G (NM_000392.4).
Identifiers: ClinVar variation 3618664 (VCV003618664.3).

ClinVar aggregate classification (germline): Likely benign. Review status: criteria provided, multiple submitters, no conflicts (2 of 4 stars). 2 submissions from 2 submitters: Likely benign (2). Last evaluated 2025-09-02.

Conditions:
ABCC2-related disorder. Also called: ABCC2-related condition.

gnomAD v4.1: 15 of 1,614,076 alleles (0.00093%); highest among the groups gnomAD compares: East Asian, 0.018%; 1 homozygote.

Submissions (2):

PreventionGenetics, part of Exact Sciences
Classification: Likely benign for ABCC2-related condition. Last evaluated: 2025-09-02. Review status: criteria provided, single submitter. Criteria: ACMG Guidelines, 2015. Collection method: clinical testing. Allele origin: germline.
Comment: This variant is classified as likely benign based on ACMG/AMP sequence variant interpretation guidelines (Richards et al. 2015 PMID: 25741868, with internal and published modifications).

Labcorp Genetics (formerly Invitae), Labcorp
Classification: Likely benign. Last evaluated: 2024-02-17. Review status: criteria provided, single submitter. Criteria: Invitae Variant Classification Sherloc (09022015). Collection method: clinical testing. Allele origin: germline.